The following is an entry in ClinVar:

NM_021625.5(TRPV4):c.1527dup (p.Arg510fs)

Gene: TRPV4 (transient receptor potential cation channel subfamily V member 4; minus strand). Cytogenetic location: 12q24.11.
Variant type: Duplication.
Coding change: c.1527dup on transcript NM_021625.5 (MANE Select); coding-DNA position 1527, one base duplicated (G; older notation c.1527dupG).
Protein change: p.Arg510fs; shifts the reading frame from arginine 510.
Molecular consequence: frameshift variant.
Genome position (GRCh38, 1-based): chr12:109,793,987, C duplicated on the plus strand (G on the coding strand, the reverse complement: TRPV4 is on the minus strand). VCF-style (leftmost placement, unchanged base first): chr12-109793986-G-GC. GRCh37 (hg19) VCF-style: chr12-110231791-G-GC.
Other names: c.1386dup, p.Arg463Alafs (NM_001177428.2); c.1425dup, p.Arg476Alafs (NM_001177431.2); c.1206dup, p.Arg403Alafs (NM_001177433.2); c.1347dup, p.Arg450Alafs (NM_147204.3); short protein forms R450fs, R510fs, R403fs, R463fs, R476fs.
Identifiers: ClinVar variation 2856926 (VCV002856926.3), dbSNP rs2548730187, ClinGen allele CA2739277300.

ClinVar aggregate classification (germline): Uncertain significance (1 of 4 stars; one submission).

Conditions:
Charcot-Marie-Tooth disease axonal type 2C (HMSN2C). Also called: CHARCOT-MARIE-TOOTH DISEASE, AXONAL, AUTOSOMAL DOMINANT, TYPE 2C; Charcot-Marie-Tooth Neuropathy Type 2C; Charcot-Marie-Tooth Disease Type 2, TRPV4-Related (CMT2C). Identifiers: Orphanet 99937, MedGen C1853710, MONDO:0011633, OMIM 606071.

Submission:

Labcorp Genetics (formerly Invitae), Labcorp
Classification: Uncertain significance for Charcot-Marie-Tooth disease axonal type 2C. Last evaluated: 2023-04-16. Review status: criteria provided, single submitter. Criteria: Invitae Variant Classification Sherloc (09022015). Collection method: clinical testing. Allele origin: germline.
Comment: This variant is not present in population databases (gnomAD no frequency). In summary, the available evidence is currently insufficient to determine the role of this variant in disease. Therefore, it has been classified as a Variant of Uncertain Significance. This variant has not been reported in the literature in individuals affected with TRPV4-related conditions. This sequence change creates a premature translational stop signal (p.Arg510Alafs*37) in the TRPV4 gene. It is expected to result in an absent or disrupted protein product. However, the current clinical and genetic evidence is not sufficient to establish whether loss-of-function variants in TRPV4 cause disease.